The following is an entry in ClinVar:

NM_000088.4(COL1A1):c.4006-6_4008dup

Gene: COL1A1 (collagen type I alpha 1 chain; minus strand). Cytogenetic location: 17q21.33.
Variant type: Duplication.
Coding change: c.4006-6_4008dup on transcript NM_000088.4 (MANE Select); 6 bases into the intron before coding-DNA position 4006 through coding-DNA position 4008, 9 bases duplicated (CTGCAGTTC; older notation c.4006-6_4008dupCTGCAGTTC).
Molecular consequence: splice acceptor variant.
Genome position (GRCh38, 1-based): chr17:50,186,018-50,186,026, GAACTGCAG duplicated on the plus strand (CTGCAGTTC on the coding strand, the reverse complement: COL1A1 is on the minus strand); duplicating any 9 consecutive bases within chr17:50,186,018-50,186,027 gives the same sequence; the c. name uses the placement nearest the transcript's 3' end. VCF-style (leftmost placement, unchanged base first): chr17-50186017-C-CGAACTGCAG. GRCh37 (hg19) VCF-style: chr17-48263378-C-CGAACTGCAG.
Identifiers: ClinVar variation 3660860 (VCV003660860.2).
Genomic context (GRCh38, chr17:50,186,017, plus strand): 5'-GGCGCAGGAAGGTCAGCTGGATGGCCACATCGGCAGGGTCGGAGCCCTGGCCGCCATACT[C>CGAACTGCAG]GAACTGCAGGGGAGGGGAGAGAGGGAAGAGTGAGCCGCTATGCGGGAACCTCTAGTCCTG-3'

ClinVar aggregate classification (germline): Uncertain significance (1 of 4 stars; one submission).

Conditions:
Osteogenesis imperfecta type I (OI1). Also called: Lobstein's Disease; Lobstein disease; Classic Non-deforming Osteogenesis Imperfecta with Blue Sclerae; OI, TYPE I; OSTEOGENESIS IMPERFECTA TARDA; OSTEOGENESIS IMPERFECTA WITH BLUE SCLERAE. Identifiers: Orphanet 216796, Orphanet 666, MedGen C0023931, MONDO:0008146, OMIM 166200. Disease mechanism: loss of function.

Submission:

Labcorp Genetics (formerly Invitae), Labcorp
Classification: Uncertain significance for Osteogenesis imperfecta type I. Last evaluated: 2024-07-30. Review status: criteria provided, single submitter. Criteria: Invitae Variant Classification Sherloc (09022015). Collection method: clinical testing. Allele origin: germline.
Comment: This sequence change falls in intron 49 of the COL1A1 gene. It does not directly change the encoded amino acid sequence of the COL1A1 protein. This variant is not present in population databases (gnomAD no frequency). This variant has not been reported in the literature in individuals affected with COL1A1-related conditions. This variant is also known as p.Phe1336_Glu1337insLeuGlnPhe. In summary, the available evidence is currently insufficient to determine the role of this variant in disease. Therefore, it has been classified as a Variant of Uncertain Significance.